The following is an entry in ClinVar:

ClinVar aggregate classification (germline): Uncertain significance (1 of 4 stars; one submission).

Conditions:
Cardiovascular phenotype. Identifiers: MedGen CN230736.

gnomAD v4.1: 3 of 1,613,796 alleles (0.00019%); highest among the groups gnomAD compares: Non-Finnish European, 0.00025%; no homozygotes.

Submission:

Ambry Genetics
Classification: Uncertain significance for Cardiovascular phenotype. Last evaluated: 2025-05-02. Review status: criteria provided, single submitter. Criteria: Ambry Variant Classification Scheme 2023. Collection method: clinical testing. Allele origin: germline.
Comment: The p.N12D variant (also known as c.34A>G), located in coding exon 2 of the SPRED1 gene, results from an A to G substitution at nucleotide position 34. The asparagine at codon 12 is replaced by aspartic acid, an amino acid with highly similar properties. This amino acid position is conserved. In addition, this alteration is predicted to be tolerated by in silico analysis. Based on the available evidence, the clinical significance of this variant remains unclear.

NM_152594.3(SPRED1):c.34A>G (p.Asn12Asp)

Gene: SPRED1 (sprouty related EVH1 domain containing 1; plus strand). Cytogenetic location: 15q14.
Variant type: single nucleotide variant.
Coding change: c.34A>G on transcript NM_152594.3 (MANE Select); coding-DNA position 34, A replaced by G.
Protein change: p.Asn12Asp; replaces asparagine 12 with aspartic acid.
Molecular consequence: missense variant.
Genome position (GRCh38, 1-based): chr15:38,299,374, A>G. VCF-style: chr15-38299374-A-G. GRCh37 (hg19) VCF-style: chr15-38591575-A-G.
Other names: short protein forms N12D.
Identifiers: ClinVar variation 3961385 (VCV003961385.1).